The following is an entry in ClinVar:

ClinVar aggregate classification (germline): Conflicting classifications of pathogenicity. Review status: criteria provided, conflicting classifications (1 of 4 stars). 4 submissions from 4 submitters: Likely pathogenic (1); Uncertain significance (3). Last evaluated 2024-11-12.

Conditions:
Mitochondrial complex I deficiency, nuclear type 4. Also called: Mitochondrial complex 1 deficiency, nuclear type 4. Identifiers: MedGen C4748753, MONDO:0032609, OMIM 618225.
NDUFV1-related disorder. Also called: NDUFV1-related condition; NDUFV1-related disorders.

Allele frequency attached by ClinVar (database versions not stated): ExAC 0.00001; gnomAD exomes 0.00002 and 0.00008; gnomAD 0.00005; TOPMed 0.00008.
gnomAD v4.1: 119 of 1,606,070 alleles (0.0074%); highest among the groups gnomAD compares: Non-Finnish European, 0.0095%; no homozygotes.

Submissions (4):

PreventionGenetics, part of Exact Sciences
Classification: Uncertain significance for NDUFV1-related condition. Last evaluated: 2024-11-12. Review status: criteria provided, single submitter. Criteria: ACMG Guidelines, 2015. Collection method: clinical testing. Allele origin: germline.
Comment: The NDUFV1 c.1070T>C variant is predicted to result in the amino acid substitution p.Met357Thr. To our knowledge, this variant has not been reported in individuals with NDFUV1-related disease. This variant is reported in 0.0042% of alleles in individuals of African descent in gnomAD. At this time, the clinical significance of this variant is uncertain due to the absence of conclusive functional and genetic evidence.

Women's Health and Genetics/Laboratory Corporation of America, LabCorp
Classification: Uncertain significance. Last evaluated: 2024-09-03. Review status: criteria provided, single submitter. Criteria: LabCorp Variant Classification Summary - May 2015. Collection method: clinical testing. Allele origin: germline.

Department of Pathology and Laboratory Medicine, Sinai Health System
Classification: Uncertain significance for Mitochondrial complex I deficiency, nuclear type 4. Last evaluated: 2023-09-01. Review status: criteria provided, single submitter. Criteria: ACMG Guidelines, 2015. Collection method: research. Allele origin: germline.

GeneDx
Classification: Likely pathogenic. Last evaluated: 2012-05-10. Review status: criteria provided, single submitter. Criteria: GeneDx Variant Classification (06012015). Collection method: clinical testing. Allele origin: germline. Affected: yes.
Comment: p.Met357Thr (ATG>ACG): c.1070 T>C in exon 7 of the NDUFV1 gene (NM_007103.3). A M357T missense change likely associated with a mitochondrial disorder was identified in the NDUFV1 gene. It has not been published as a mutation, nor has it been reported as a benign polymorphism to our knowledge. The amino acid change is non-conservative in that a non-polar Methionine is replaced by a polar Threonine. This change occurs at a position in the NDUFV1 protein that is highly conserved and multiple in-silico analysis models predict that M357T is damaging to the NDUFV1 protein. Therefore, M357T is a strong candidate for a disease-causing mutation, however the possibility that it is a benign variant cannot be excluded. The variant is found in LSME-MITOP panel(s).

NM_007103.4(NDUFV1):c.1070T>C (p.Met357Thr)

Gene: NDUFV1 (NADH:ubiquinone oxidoreductase core subunit V1; plus strand). Cytogenetic location: 11q13.2.
Variant type: single nucleotide variant.
Coding change: c.1070T>C on transcript NM_007103.4 (MANE Select); coding-DNA position 1070, T replaced by C.
Protein change: p.Met357Thr; replaces methionine 357 with threonine.
Molecular consequence: missense variant.
Genome position (GRCh38, 1-based): chr11:67,611,559, T>C. VCF-style: chr11-67611559-T-C. GRCh37 (hg19) VCF-style: chr11-67379030-T-C.
Other names: p.M357T:ATG>ACG; c.1043T>C, p.Met348Thr (NM_001166102.2); short protein forms M357T, M348T.
Identifiers: ClinVar variation 214853 (VCV000214853.5), dbSNP rs777692271, ClinGen allele CA323653.
Genomic context (GRCh38, chr11:67,611,559, plus strand): 5'-TGGACTTCGATGCGCTGGTGCAGGCACAGACAGGCCTGGGCACAGCTGCGGTGATCGTCA[T>C]GGACCGCTCGGTAAGGGTTCACACACCAGCCCTGGTCCCTGCCCTCCTGGTTGCTGTCTC-3'
Protein context (NP_009034.2, residues 347-367): TGLGTAAVIV[Met357Thr]DRSTDIVKAI